The following is an entry in ClinVar:

ClinVar aggregate classification (germline): Uncertain significance (1 of 4 stars; one submission).

Conditions:
Hereditary cancer-predisposing syndrome. Also called: Hereditary Cancer Syndrome; Hereditary neoplastic syndrome; Neoplastic Syndromes, Hereditary; Tumor predisposition. Identifiers: Orphanet 140162, MedGen C0027672, MeSH D009386, MONDO:0015356.

Submission:

Ambry Genetics
Classification: Uncertain significance for Hereditary cancer-predisposing syndrome. Last evaluated: 2021-12-11. Review status: criteria provided, single submitter. Criteria: Ambry Variant Classification Scheme 2023. Collection method: clinical testing. Allele origin: germline.
Comment: The p.H522Q variant (also known as c.1566T>A), located in coding exon 5 of the AXIN2 gene, results from a T to A substitution at nucleotide position 1566. The histidine at codon 522 is replaced by glutamine, an amino acid with highly similar properties. This amino acid position is conserved. In addition, the in silico prediction for this alteration is inconclusive. Since supporting evidence is limited at this time, the clinical significance of this alteration remains unclear.

NM_004655.4(AXIN2):c.1566T>A (p.His522Gln)

Gene: AXIN2 (axin 2; minus strand). Cytogenetic location: 17q24.1.
Variant type: single nucleotide variant.
Coding change: c.1566T>A on transcript NM_004655.4 (MANE Select); coding-DNA position 1566, T replaced by A.
Protein change: p.His522Gln; replaces histidine 522 with glutamine.
Molecular consequence: missense variant.
Genome position (GRCh38, 1-based): chr17:65,537,470, A>T on the plus strand (T>A on the coding strand, the complement: AXIN2 is on the minus strand). VCF-style: chr17-65537470-A-T. GRCh37 (hg19) VCF-style: chr17-63533588-A-T.
Other names: c.1566T>A, p.His522Gln (NM_001363813.1); short protein forms H522Q.
Identifiers: ClinVar variation 1775389 (VCV001775389.2), dbSNP rs2509412978, ClinGen allele CA400677248.
Genomic context (GRCh38, chr17:65,537,470, plus strand): 5'-GAAGCAGTGCACCCGCTGCGTGGCCTCCGCCTCGATCTCCTCCTTGGTCTTGGGGACGGC[A>T]TGGTGGTGGATGTAGTGGTGGTGGACATGCTTCGTCGTCTGCTTGGTCACAAAGCCTTTG-3'
Protein context (NP_004646.3, residues 512-532): KHVHHHYIHH[His522Gln]AVPKTKEEIE